The following is an entry in ClinVar:

NM_000059.4(BRCA2):c.489T>G (p.Ser163Arg)

Gene: BRCA2 (BRCA2 DNA repair associated; plus strand). Cytogenetic location: 13q13.1.
Variant type: single nucleotide variant.
Coding change: c.489T>G on transcript NM_000059.4 (MANE Select); coding-DNA position 489, T replaced by G.
Protein change: p.Ser163Arg; replaces serine 163 with arginine.
Molecular consequence: missense variant.
Genome position (GRCh38, 1-based): chr13:32,326,255, T>G. VCF-style: chr13-32326255-T-G. GRCh37 (hg19) VCF-style: chr13-32900392-T-G.
Other names: 717T>G; short protein forms S163R.
Identifiers: ClinVar variation 91827 (VCV000091827.23), dbSNP rs398122787, ClinGen allele CA020981.

ClinVar aggregate classification (germline): Conflicting classifications of pathogenicity. Review status: criteria provided, conflicting classifications (1 of 4 stars). 8 submissions from 8 submitters: Uncertain significance (6); Likely benign (1). 1 of the submissions does not count toward it. Last evaluated 2026-01-07.

Conditions:
Hereditary cancer-predisposing syndrome. Also called: Tumor predisposition; Hereditary Cancer Syndrome; Neoplastic Syndromes, Hereditary; Hereditary neoplastic syndrome. Identifiers: Orphanet 140162, MedGen C0027672, MeSH D009386, MONDO:0015356.
Hereditary breast ovarian cancer syndrome. Also called: Breast and ovarian cancer; Hereditary breast and ovarian cancer; Hereditary breast and ovarian cancer syndrome; BRCA1- and BRCA2-Associated Hereditary Breast and Ovarian Cancer; Hereditary breast and ovarian cancer syndrome (HBOC); Hereditary breast and/or ovarian cancer syndrome. Identifiers: Orphanet 145, MedGen C0677776, MeSH D061325, MONDO:0003582. Disease mechanism: loss of function.
Familial cancer of breast. Also called: BREAST CANCER, FAMILIAL; hereditary breast carcinoma; Hereditary breast cancer. Identifiers: Orphanet 227535, MedGen C0346153, MONDO:0016419, OMIM 114480. Disease mechanism: loss of function.
Breast-ovarian cancer, familial, susceptibility to, 2 (BROVCA2). Also called: BRCA2 Hereditary Breast and Ovarian Cancer. Identifiers: Orphanet 145, MedGen C2675520, MONDO:0012933, OMIM 612555. Disease mechanism: loss of function.

Allele frequency attached by ClinVar (database versions not stated): gnomAD 0.00001; TOPMed 0.00002.

Submissions (8):

Labcorp Genetics (formerly Invitae), Labcorp
Classification: Uncertain significance for Hereditary breast ovarian cancer syndrome. Last evaluated: 2026-01-07. Review status: criteria provided, single submitter. Criteria: Invitae Variant Classification Sherloc (09022015). Collection method: clinical testing. Allele origin: germline.
Comment: This sequence change replaces serine, which is neutral and polar, with arginine, which is basic and polar, at codon 163 of the BRCA2 protein (p.Ser163Arg). This variant is present in population databases (rs398122787, gnomAD 0.01%). This variant has not been reported in the literature in individuals affected with BRCA2-related conditions. ClinVar contains an entry for this variant (Variation ID: 91827). Invitae Evidence Modeling of protein sequence and biophysical properties (such as structural, functional, and spatial information, amino acid conservation, physicochemical variation, residue mobility, and thermodynamic stability) indicates that this missense variant is not expected to disrupt BRCA2 protein function with a negative predictive value of 95%. In summary, the available evidence is currently insufficient to determine the role of this variant in disease. Therefore, it has been classified as a Variant of Uncertain Significance.

Ambry Genetics
Classification: Uncertain significance for Hereditary cancer-predisposing syndrome. Last evaluated: 2025-09-04. Review status: criteria provided, single submitter. Criteria: Ambry Variant Classification Scheme 2023. Collection method: clinical testing. Allele origin: germline.
Comment: The p.S163R variant (also known as c.489T>G), located in coding exon 5 of the BRCA2 gene, results from a T to G substitution at nucleotide position 489. The serine at codon 163 is replaced by arginine, an amino acid with dissimilar properties. This amino acid position is well conserved in available vertebrate species. In addition, this alteration is predicted to be tolerated by in silico analysis. Since supporting evidence is limited at this time, the clinical significance of this alteration remains unclear.

Baylor Genetics
Classification: Uncertain significance for Familial cancer of breast. Last evaluated: 2023-11-17. Review status: criteria provided, single submitter. Criteria: ACMG Guidelines, 2015. Collection method: clinical testing. Allele origin: unknown.

Myriad Genetics, Inc.
Classification: Likely benign for Breast-ovarian cancer, familial, susceptibility to, 2. Last evaluated: 2023-11-06. Review status: criteria provided, single submitter. Criteria: Myriad Autosomal Dominant, Autosomal Recessive and X-Linked Classification Criteria (2023). Collection method: clinical testing. Allele origin: unknown.
Comment: This variant is considered likely benign. This variant is strongly associated with less severe personal and family histories of cancer, typical for individuals without pathogenic variants in this gene [PMID: 25085752].

Quest Diagnostics Nichols Institute San Juan Capistrano
Classification: Uncertain significance. Last evaluated: 2022-09-16. Review status: criteria provided, single submitter. Criteria: Quest Diagnostics criteria. Collection method: clinical testing. Allele origin: unknown.
Comment: The variant has not been reported in the published literature. The frequency of this variant in the general population, 0.000032 (1/31386 chromosomes), is uninformative in assessment of its pathogenicity. Analysis of this variant using bioinformatics tools for the prediction of the effect of amino acid changes on protein structure and function yielded conflicting predictions that this variant is benign or damaging. Based on the available information, we are unable to determine the clinical significance of this variant.

Color Diagnostics, LLC DBA Color Health
Classification: Uncertain significance for Hereditary cancer-predisposing syndrome. Last evaluated: 2019-06-05. Review status: criteria provided, single submitter. Criteria: ACMG Guidelines, 2015. Collection method: clinical testing. Allele origin: germline.

Women's Health and Genetics/Laboratory Corporation of America, LabCorp
Classification: Uncertain significance. Last evaluated: 2019-05-20. Review status: criteria provided, single submitter. Criteria: LabCorp Variant Classification Summary - May 2015. Collection method: clinical testing. Allele origin: germline.
Comment: Variant summary: BRCA2 c.489T>G (p.Ser163Arg) results in a non-conservative amino acid change in the encoded protein sequence. Three of five in-silico tools predict a damaging effect of the variant on protein function. The variant allele was found at a frequency of 3.2e-05 in 31386 control chromosomes (gnomAD). The available data on variant occurrences in the general population are insufficient to allow any conclusion about variant significance. To our knowledge, no occurrence of c.489T>G in individuals affected with Hereditary Breast and Ovarian Cancer and no experimental evidence demonstrating its impact on protein function have been reported. Two ClinVar submissions from clinical diagnostic laboratories (evaluation after 2014) cites the variant as uncertain significance. Based on the evidence outlined above, the variant was classified as uncertain significance.

Sharing Clinical Reports Project (SCRP)
Classification: Uncertain significance for Breast-ovarian cancer, familial 2. Last evaluated: 2010-10-14. Review status: no assertion criteria provided. Collection method: clinical testing. Allele origin: germline. Not counted in ClinVar's aggregate classification.

Literature cited by the submitters: PubMed 25085752 (cited by Myriad Genetics, Inc.).